The following is an entry in ClinVar:

ClinVar aggregate classification (germline): Likely pathogenic (1 of 4 stars; one submission).

Conditions:
Autosomal recessive Alport syndrome (ATS2). Also called: COL4A4 Alport Syndrome and Thin Basement Membrane Nephropathy; ALPORT SYNDROME 2, AUTOSOMAL RECESSIVE; Alport syndrome type 2; COL4A3-Related Nephropathy. Identifiers: Orphanet 63, Orphanet 88919, MedGen C4746745, MONDO:0008762, OMIM 203780.

Submission:

3billion
Classification: Likely pathogenic for Autosomal recessive Alport syndrome. Last evaluated: 2025-06-12. Review status: criteria provided, single submitter. Criteria: ACMG Guidelines, 2015. Collection method: clinical testing. Allele origin: germline. Affected: yes.
Comment: The variant is not observed in the gnomAD v4.1.0 dataset. Predicted Consequence/Location: Frameshift: predicted to result in a loss or disruption of normal protein function through nonsense-mediated decay (NMD) or protein truncation. Multiple pathogenic variants are reported downstream of the variant. Therefore, this variant is classified as Likely pathogenic according to the recommendation of ACMG/AMP guideline.

NM_000092.5(COL4A4):c.1511del (p.Pro504fs)

Gene: COL4A4 (collagen type IV alpha 4 chain; minus strand). Cytogenetic location: 2q36.3.
Variant type: Deletion.
Coding change: c.1511del on transcript NM_000092.5 (MANE Select); coding-DNA position 1511, one base deleted (C; older notation c.1511delC).
Protein change: p.Pro504fs; shifts the reading frame from proline 504.
Molecular consequence: frameshift variant.
Genome position (GRCh38, 1-based): chr2:227,088,765, G deleted on the plus strand (C on the coding strand, the reverse complement: COL4A4 is on the minus strand); the first of 3 consecutive G bases (chr2:227,088,765-227,088,767); deleting any one gives the same sequence. VCF-style (leftmost placement, unchanged base first): chr2-227088764-AG-A. GRCh37 (hg19) VCF-style: chr2-227953480-AG-A.
Other names: short protein forms P504fs.
Identifiers: ClinVar variation 4855828 (VCV004855828.1).